The following is an entry in ClinVar:

NM_032043.3(BRIP1):c.477A>C (p.Lys159Asn)

Gene: BRIP1 (BRCA1 interacting DNA helicase 1; minus strand). Cytogenetic location: 17q23.2.
Variant type: single nucleotide variant.
Coding change: c.477A>C on transcript NM_032043.3 (MANE Select); coding-DNA position 477, A replaced by C.
Protein change: p.Lys159Asn; replaces lysine 159 with asparagine.
Molecular consequence: missense variant.
Genome position (GRCh38, 1-based): chr17:61,849,159, T>G on the plus strand (A>C on the coding strand, the complement: BRIP1 is on the minus strand). VCF-style: chr17-61849159-T-G. GRCh37 (hg19) VCF-style: chr17-59926520-T-G.
Other names: short protein forms K159N.
Identifiers: ClinVar variation 1471628 (VCV001471628.7), dbSNP rs2078778020, ClinGen allele CA400484404.

ClinVar aggregate classification (germline): Uncertain significance (1 of 4 stars; one submission).

Conditions:
Familial cancer of breast. Also called: Hereditary breast cancer; BREAST CANCER, FAMILIAL; hereditary breast carcinoma. Identifiers: Orphanet 227535, MedGen C0346153, MONDO:0016419, OMIM 114480. Disease mechanism: loss of function.
Fanconi anemia complementation group J. Also called: BRIP1-Related Fanconi Anemia. Identifiers: Orphanet 84, MedGen C1836860, MONDO:0012187, OMIM 609054.

Submission:

Labcorp Genetics (formerly Invitae), Labcorp
Classification: Uncertain significance for Familial cancer of breast; Fanconi anemia complementation group J. Last evaluated: 2024-07-10. Review status: criteria provided, single submitter. Criteria: Invitae Variant Classification Sherloc (09022015). Collection method: clinical testing. Allele origin: germline.
Comment: This sequence change replaces lysine, which is basic and polar, with asparagine, which is neutral and polar, at codon 159 of the BRIP1 protein (p.Lys159Asn). This variant is not present in population databases (gnomAD no frequency). This variant has not been reported in the literature in individuals affected with BRIP1-related conditions. ClinVar contains an entry for this variant (Variation ID: 1471628). Advanced modeling of protein sequence and biophysical properties (such as structural, functional, and spatial information, amino acid conservation, physicochemical variation, residue mobility, and thermodynamic stability) performed at Invitae indicates that this missense variant is expected to disrupt BRIP1 protein function with a positive predictive value of 80%. In summary, the available evidence is currently insufficient to determine the role of this variant in disease. Therefore, it has been classified as a Variant of Uncertain Significance.